The following is an entry in ClinVar:

ClinVar aggregate classification (germline): Uncertain significance. Review status: criteria provided, multiple submitters, no conflicts (2 of 4 stars). 2 submissions from 2 submitters: Uncertain significance (2). Last evaluated 2024-12-17.

Allele frequency attached by ClinVar (database versions not stated): gnomAD exomes 0.00001 and 0.00004; ExAC 0.00007; ESP Exome Variant Server 0.00015; TOPMed 0.00015; gnomAD 0.00016 and 0.00019; 1000 Genomes Project 0.00020; 1000 Genomes Project 30x 0.00031.
gnomAD v4.1: 43 of 1,614,112 alleles (0.0027%); highest among the groups gnomAD compares: African/African-American, 0.049%; no homozygotes.

Submissions (2):

Labcorp Genetics (formerly Invitae), Labcorp
Classification: Uncertain significance. Last evaluated: 2024-12-17. Review status: criteria provided, single submitter. Criteria: Invitae Variant Classification Sherloc (09022015). Collection method: clinical testing. Allele origin: germline.
Comment: This sequence change replaces serine, which is neutral and polar, with asparagine, which is neutral and polar, at codon 691 of the APPL1 protein (p.Ser691Asn). This variant is present in population databases (rs201646423, gnomAD 0.06%), and has an allele count higher than expected for a pathogenic variant. This variant has not been reported in the literature in individuals affected with APPL1-related conditions. ClinVar contains an entry for this variant (Variation ID: 1466213). An algorithm developed to predict the effect of missense changes on protein structure and function (PolyPhen-2) suggests that this variant is likely to be tolerated. In summary, the available evidence is currently insufficient to determine the role of this variant in disease. Therefore, it has been classified as a Variant of Uncertain Significance.

Ambry Genetics
Classification: Uncertain significance. Last evaluated: 2022-06-24. Review status: criteria provided, single submitter. Criteria: Ambry Variant Classification Scheme 2023. Collection method: clinical testing. Allele origin: germline.

NM_012096.3(APPL1):c.2072G>A (p.Ser691Asn)

Genes: APPL1 (adaptor protein, phosphotyrosine interacting with PH domain and leucine zipper 1; plus strand), ASB14 (ankyrin repeat and SOCS box containing 14; minus strand), LOC105377102 (uncharacterized LOC105377102; plus strand). Cytogenetic location: 3p14.3.
Variant type: single nucleotide variant.
Coding change: c.2072G>A on transcript NM_012096.3 (MANE Select); coding-DNA position 2072, G replaced by A.
Protein change: p.Ser691Asn; replaces serine 691 with asparagine.
Molecular consequence: missense variant. On other transcripts: non-coding transcript variant (1), intron variant (2).
Genome position (GRCh38, 1-based): chr3:57,269,629, G>A. VCF-style: chr3-57269629-G-A. GRCh37 (hg19) VCF-style: chr3-57303657-G-A.
Other names: c.*23-11C>T (NM_001142733.3, NM_130387.5); short protein forms S691N.
Identifiers: ClinVar variation 1466213 (VCV001466213.7), dbSNP rs201646423, ClinGen allele CA2464024.
Genomic context (GRCh38, chr3:57,269,629, plus strand): 5'-CTGCTTCCAGTAGACCAAACCAAGCCAGTAGTGAGGGGCAGTTTGTTGTCCTTAGCAGTA[G>A]CCAGTCAGAAGAGAGTGATTTGGGAGAAGGAGGAAAGAAGAGAGAATCAGAAGCATAAGC-3'
Protein context (NP_036228.1, residues 681-701): SEGQFVVLSS[Ser691Asn]QSEESDLGEG